The following is an entry in ClinVar:

NM_000487.6(ARSA):c.-15A>T

Gene: ARSA (arylsulfatase A; minus strand). Cytogenetic location: 22q13.33.
Variant type: single nucleotide variant.
Coding change: c.-15A>T on transcript NM_000487.6 (MANE Select); 15 bases upstream of the start codon, A replaced by T.
Molecular consequence: 5 prime UTR variant. On other transcripts: intron variant (2), splice acceptor variant (3).
Genome position (GRCh38, 1-based): chr22:50,627,794, T>A on the plus strand (A>T on the coding strand, the complement: ARSA is on the minus strand). VCF-style: chr22-50627794-T-A. GRCh37 (hg19) VCF-style: chr22-51066222-T-A.
Other names: c.-35+197A>T (NM_001362782.2); c.-13-2A>T (NM_001085427.3, NM_001085426.3, NM_001085425.3); c.-35+152A>T (NM_001085428.3).
Identifiers: ClinVar variation 5003701 (VCV005003701.1).

ClinVar aggregate classification (germline): Uncertain significance (1 of 4 stars; one submission).

Conditions:
Metachromatic leukodystrophy (MLD). Also called: SULFATIDE LIPIDOSIS; ARSA DEFICIENCY; CEREBROSIDE SULFATASE DEFICIENCY; METACHROMATIC LEUKOENCEPHALOPATHY; Cerebral sclerosis diffuse metachromatic form; Arylsulfatase A Deficiency. Identifiers: Orphanet 512, MedGen C0023522, MONDO:0018868, OMIM 250100.

Submission:

Myriad Genetics, Inc.
Classification: Uncertain significance for Metachromatic leukodystrophy. Last evaluated: 2026-02-04. Review status: criteria provided, single submitter. Criteria: Myriad Autosomal Dominant, Autosomal Recessive and X-Linked Classification Criteria (2023). Collection method: clinical testing. Allele origin: unknown.
Comment: NM_000487.5(ARSA):c.-15A>T is a 5' non-coding variant classified as a variant of uncertain significance in the context of metachromatic leukodystrophy. c.-15A>T has not been observed in cases with relevant disease. Relevant functional assessments of this variant are not available in the literature. c.-15A>T has not been observed in referenced population frequency databases. In summary, there is insufficient evidence to classify NM_000487.5(ARSA):c.-15A>T as pathogenic or benign. Please note: this variant was assessed in the context of healthy population screening.